The following is an entry in ClinVar:

NM_001014447.3(CPZ):c.17C>T (p.Pro6Leu)

Gene: CPZ (carboxypeptidase Z; plus strand). Cytogenetic location: 4p16.1.
Variant type: single nucleotide variant.
Coding change: c.17C>T on transcript NM_001014447.3 (MANE Select); coding-DNA position 17, C replaced by T.
Protein change: p.Pro6Leu; replaces proline 6 with leucine.
Molecular consequence: missense variant. On other transcripts: 5 prime UTR variant (1).
Genome position (GRCh38, 1-based): chr4:8,592,850, C>T. VCF-style: chr4-8592850-C-T. GRCh37 (hg19) VCF-style: chr4-8594577-C-T.
Other names: c.-658C>T (NM_001014448.3); c.17C>T, p.Pro6Leu (NM_003652.4); short protein forms P6L.
Identifiers: ClinVar variation 3059669 (VCV003059669.2), dbSNP rs34964084, ClinGen allele CA2852946.

ClinVar aggregate classification (germline): Benign (0 of 4 stars; one submission).

Conditions:
CPZ-related disorder. Also called: CPZ-related condition.

Allele frequency attached by ClinVar (database versions not stated): ESP Exome Variant Server 0.09572; 1000 Genomes Project 0.13079; ExAC 0.14928; TOPMed 0.17410; gnomAD 0.18691; gnomAD exomes 0.22973.
gnomAD v4.1: 333,398 of 1,482,590 alleles (22%); highest among the groups gnomAD compares: Non-Finnish European, 25%; 40,461 homozygotes.

Submission:

PreventionGenetics, part of Exact Sciences
Classification: Benign for CPZ-related condition. Last evaluated: 2019-11-19. Review status: no assertion criteria provided. Collection method: clinical testing. Allele origin: germline.
Comment: This variant is classified as benign based on ACMG/AMP sequence variant interpretation guidelines (Richards et al. 2015 PMID: 25741868, with internal and published modifications).